The following is an entry in ClinVar:

NM_001846.4(COL4A2):c.297G>A (p.Thr99=)

Gene: COL4A2 (collagen type IV alpha 2 chain; plus strand). Cytogenetic location: 13q34.
Variant type: single nucleotide variant.
Coding change: c.297G>A on transcript NM_001846.4 (MANE Select); coding-DNA position 297, G replaced by A.
Protein change: p.Thr99=; no amino-acid change (threonine 99 retained).
Molecular consequence: synonymous variant.
Genome position (GRCh38, 1-based): chr13:110,424,850, G>A. VCF-style: chr13-110424850-G-A. GRCh37 (hg19) VCF-style: chr13-111077197-G-A.
Other names: p.Thr99=.
Identifiers: ClinVar variation 311096 (VCV000311096.20), dbSNP rs4238272, ClinGen allele CA7048825.

ClinVar aggregate classification (germline): Benign. Review status: criteria provided, multiple submitters, no conflicts (2 of 4 stars). 7 submissions from 7 submitters: Benign (7). Last evaluated 2026-02-03.

Conditions:
Brain small vessel disease 2A, autosomal dominant. Also called: Porencephaly 2. Identifiers: Orphanet 2940, Orphanet 99810, MedGen C3280970, MONDO:0013773, OMIM 614483.

Allele frequency attached by ClinVar (database versions not stated): ESP Exome Variant Server 0.93271; TOPMed 0.93370; gnomAD 0.93420 and 0.93675; 1000 Genomes Project 30x 0.94035; 1000 Genomes Project 0.94269; ExAC 0.96135; gnomAD exomes 0.96313 and 0.96436.
gnomAD v4.1: 1,550,365 of 1,614,068 alleles (96%); highest among the groups gnomAD compares: East Asian, 100%; 745,245 homozygotes.

Submissions (7):

Labcorp Genetics (formerly Invitae), Labcorp
Classification: Benign. Last evaluated: 2026-02-03. Review status: criteria provided, single submitter. Criteria: Invitae Variant Classification Sherloc (09022015). Collection method: clinical testing. Allele origin: germline.

Blueprint Genetics
Classification: Benign. Last evaluated: 2024-11-27. Review status: criteria provided, single submitter. Criteria: ACMG Guidelines, 2015. Collection method: clinical testing. Allele origin: germline.

Mayo Clinic Laboratories, Mayo Clinic
Classification: Benign. Last evaluated: 2022-04-26. Review status: criteria provided, single submitter. Criteria: ACMG Guidelines, 2015. Collection method: clinical testing. Allele origin: germline. Observed: 300 variant alleles.

Genome-Nilou Lab
Classification: Benign for Brain small vessel disease 2A, autosomal dominant. Last evaluated: 2021-07-22. Review status: criteria provided, single submitter. Criteria: ACMG Guidelines, 2015. Collection method: clinical testing. Allele origin: germline. Affected: no.

Illumina Laboratory Services, Illumina
Classification: Benign for Brain small vessel disease 2A, autosomal dominant. Last evaluated: 2018-01-13. Review status: criteria provided, single submitter. Criteria: ICSL Variant Classification Criteria 13 December 2019. Collection method: clinical testing. Allele origin: germline.
Comment: This variant was observed in the ICSL laboratory as part of a predisposition screen in an ostensibly healthy population. It had not been previously curated by ICSL or reported in the Human Gene Mutation Database (HGMD: prior to June 1st, 2018), and was therefore a candidate for classification through an automated scoring system. Utilizing variant allele frequency, disease prevalence and penetrance estimates, and inheritance mode, an automated score was calculated to assess if this variant is too frequent to cause the disease. Based on the score and internal cut-off values, a variant classified as benign is not then subjected to further curation. The score for this variant resulted in a classification of benign for this disease.

GeneDx
Classification: Benign. Last evaluated: 2015-03-03. Review status: criteria provided, single submitter. Criteria: GeneDx Variant Classification Process June 2021. Collection method: clinical testing. Allele origin: germline. Affected: yes.

Breakthrough Genomics
Classification: Benign. Review status: criteria provided, single submitter. Criteria: ACMG Guidelines, 2015. Collection method: not provided. Allele origin: germline. Inheritance: Autosomal dominant inheritance. Affected: yes.